The following is an entry in ClinVar:

ClinVar aggregate classification (germline): Uncertain significance (1 of 4 stars; one submission).

Submission:

Labcorp Genetics (formerly Invitae), Labcorp
Classification: Uncertain significance. Last evaluated: 2024-02-06. Review status: criteria provided, single submitter. Criteria: Invitae Variant Classification Sherloc (09022015). Collection method: clinical testing. Allele origin: germline.
Comment: This sequence change replaces tyrosine, which is neutral and polar, with cysteine, which is neutral and slightly polar, at codon 81 of the CD81 protein (p.Tyr81Cys). This variant is not present in population databases (gnomAD no frequency). This variant has not been reported in the literature in individuals affected with CD81-related conditions. An algorithm developed to predict the effect of missense changes on protein structure and function (PolyPhen-2) suggests that this variant is likely to be disruptive. In summary, the available evidence is currently insufficient to determine the role of this variant in disease. Therefore, it has been classified as a Variant of Uncertain Significance.

NM_004356.4(CD81):c.242A>G (p.Tyr81Cys)

Gene: CD81 (CD81 molecule; plus strand). Cytogenetic location: 11p15.5.
Variant type: single nucleotide variant.
Coding change: c.242A>G on transcript NM_004356.4 (MANE Select); coding-DNA position 242, A replaced by G.
Protein change: p.Tyr81Cys; replaces tyrosine 81 with cysteine.
Molecular consequence: missense variant.
Genome position (GRCh38, 1-based): chr11:2,394,155, A>G. VCF-style: chr11-2394155-A-G. GRCh37 (hg19) VCF-style: chr11-2415385-A-G.
Other names: c.29A>G, p.Tyr10Cys (NM_001297649.2, NM_001425129.1, NM_001425130.1 and 4 more transcripts); c.242A>G, p.Tyr81Cys (NM_001425135.1, NM_001425137.1); short protein forms Y81C, Y10C.
Identifiers: ClinVar variation 2717732 (VCV002717732.3), dbSNP rs1178592966, ClinGen allele CA379123313.
Genomic context (GRCh38, chr11:2,394,155, plus strand): 5'-GCATCTACATCCTCATCGCTGTGGGCGCTGTCATGATGTTCGTTGGCTTCCTGGGCTGCT[A>G]CGGGGCCATCCAGGAATCCCAGTGCCTGCTGGGGACGGTAAGGCAGGGAGGCGGGCCTGT-3'
Protein context (NP_004347.1, residues 71-91): VMMFVGFLGC[Tyr81Cys]GAIQESQCLL